The following is an entry in ClinVar:

NM_002110.5(HCK):c.282C>T (p.His94=)

Gene: HCK (HCK proto-oncogene, Src family tyrosine kinase; plus strand). Cytogenetic location: 20q11.21.
Variant type: single nucleotide variant.
Coding change: c.282C>T on transcript NM_002110.5 (MANE Select); coding-DNA position 282, C replaced by T.
Protein change: p.His94=; no amino-acid change (histidine 94 retained).
Molecular consequence: synonymous variant.
Genome position (GRCh38, 1-based): chr20:32,073,771, C>T. VCF-style: chr20-32073771-C-T. GRCh37 (hg19) VCF-style: chr20-30661574-C-T.
Other names: c.219C>T, p.His73= (NM_001172129.3, NM_001172133.3); c.279C>T, p.His93= (NM_001172130.3); c.216C>T, p.His72= (NM_001172131.3); c.222C>T, p.His74= (NM_001172132.3).
Identifiers: ClinVar variation 4847344 (VCV004847344.1).

ClinVar aggregate classification (germline): Benign (1 of 4 stars; one submission).

gnomAD v4.1: 221 of 1,556,468 alleles (0.014%); highest among the groups gnomAD compares: African/African-American, 0.13%; no homozygotes.

Submission:

Women's Health and Genetics/Laboratory Corporation of America, LabCorp
Classification: Benign. Last evaluated: 2026-03-31. Review status: criteria provided, single submitter. Criteria: LabCorp Variant Classification Summary - May 2015. Collection method: clinical testing. Allele origin: germline.
Comment: Variant summary: HCK c.282C>T alters a conserved nucleotide resulting in a synonymous change. Consensus agreement among computation tools predict no significant impact on normal splicing. However, these predictions have yet to be confirmed by functional studies. The variant allele was found at a frequency of 0.00028 in 165320 control chromosomes, predominantly at a frequency of 0.0021 within the African or African-American subpopulation in the gnomAD database. The observed variant frequency within African or African-American control individuals in the gnomAD database exceeds the estimated maximal expected allele frequency for disease-causing variants in HCK. To our knowledge, no occurrence of c.282C>T in individuals affected with HCK-related conditions and no experimental evidence demonstrating its impact on protein function have been reported. No submitters have cited clinical-significance assessments for this variant to ClinVar. Based on the evidence outlined above, the variant was classified as benign.